The following is an entry in ClinVar:

ClinVar aggregate classification (germline): Uncertain significance. Review status: criteria provided, single submitter (1 of 4 stars). 2 submissions from 2 submitters: Uncertain significance (1). 1 of the submissions does not count toward it. Last evaluated 2025-02-01.

Conditions:
NBEAL2-related disorder. Also called: NBEAL2-related condition.
Inborn genetic diseases. Identifiers: MedGen C0950123, MeSH D030342.

gnomAD v4.1: 122 of 1,612,822 alleles (0.0076%); highest among the groups gnomAD compares: African/African-American, 0.1%; no homozygotes.

Submissions (2):

Ambry Genetics
Classification: Uncertain significance for Inborn genetic diseases. Last evaluated: 2025-02-01. Review status: criteria provided, single submitter. Criteria: Ambry Variant Classification Scheme 2023. Collection method: clinical testing. Allele origin: germline.

PreventionGenetics, part of Exact Sciences
Classification: Uncertain significance for NBEAL2-related condition. Last evaluated: 2024-08-27. Review status: no assertion criteria provided. Collection method: clinical testing. Allele origin: germline. Not counted in ClinVar's aggregate classification.
Comment: The NBEAL2 c.2665G>A variant is predicted to result in the amino acid substitution p.Val889Ile. To our knowledge, this variant has not been reported in the literature. This variant is reported in 0.13% of alleles in individuals of African descent in gnomAD. Although we suspect that this variant may be benign, at this time, the clinical significance of this variant is uncertain due to the absence of conclusive functional and genetic evidence.

NM_015175.3(NBEAL2):c.2665G>A (p.Val889Ile)

Gene: NBEAL2 (neurobeachin like 2; plus strand). Cytogenetic location: 3p21.31.
Variant type: single nucleotide variant.
Coding change: c.2665G>A on transcript NM_015175.3 (MANE Select); coding-DNA position 2665, G replaced by A.
Protein change: p.Val889Ile; replaces valine 889 with isoleucine.
Molecular consequence: missense variant.
Genome position (GRCh38, 1-based): chr3:46,997,274, G>A. VCF-style: chr3-46997274-G-A. GRCh37 (hg19) VCF-style: chr3-47038764-G-A.
Other names: c.2563G>A, p.Val855Ile (NM_001365116.2); c.2665G>A (NM_015175.1); short protein forms V855I, V889I.
Identifiers: ClinVar variation 3356816 (VCV003356816.2).
Genomic context (GRCh38, chr3:46,997,274, plus strand): 5'-AAACTGGCTGGAAGGTCCCCCTCACTGCCATCCTCCTTCCCCCAGGATGTGGTGAACTGC[G>A]TTGGGGGTATGGGTGCCCTGCTGCCCCTGCTGGAGCGAGTAGCTGCACAGCCCAAAGAGG-3'
Protein context (NP_055990.1, residues 879-899): TWDVKDVVNC[Val889Ile]GGMGALLPLL